The following is an entry in ClinVar:

ClinVar aggregate classification (germline): Uncertain significance (1 of 4 stars; one submission).

Allele frequency attached by ClinVar (database versions not stated): gnomAD exomes 0.00002; gnomAD 0.00003; TOPMed 0.00003.
gnomAD v4.1: 35 of 1,613,138 alleles (0.0022%); highest among the groups gnomAD compares: Admixed American, 0.0033%; no homozygotes.

Submission:

Labcorp Genetics (formerly Invitae), Labcorp
Classification: Uncertain significance. Last evaluated: 2025-01-07. Review status: criteria provided, single submitter. Criteria: Invitae Variant Classification Sherloc (09022015). Collection method: clinical testing. Allele origin: germline.
Comment: This sequence change replaces leucine, which is neutral and non-polar, with phenylalanine, which is neutral and non-polar, at codon 954 of the DNA2 protein (p.Leu954Phe). This variant is present in population databases (no rsID available, gnomAD 0.003%). This missense change has been observed in individual(s) with progressive external ophthalmoplegia with mitochondrial DNA deletions (PMID: 29625556). ClinVar contains an entry for this variant (Variation ID: 2910242). Invitae Evidence Modeling of protein sequence and biophysical properties (such as structural, functional, and spatial information, amino acid conservation, physicochemical variation, residue mobility, and thermodynamic stability) indicates that this missense variant is not expected to disrupt DNA2 protein function with a negative predictive value of 80%. In summary, the available evidence is currently insufficient to determine the role of this variant in disease. Therefore, it has been classified as a Variant of Uncertain Significance.

Literature cited by the submitters: PubMed 29625556.

NM_001080449.3(DNA2):c.2862G>C (p.Leu954Phe)

Gene: DNA2 (DNA replication helicase/nuclease 2; minus strand). Cytogenetic location: 10q21.3.
Variant type: single nucleotide variant.
Coding change: c.2862G>C on transcript NM_001080449.3 (MANE Select); coding-DNA position 2862, G replaced by C.
Protein change: p.Leu954Phe; replaces leucine 954 with phenylalanine.
Molecular consequence: missense variant. On other transcripts: non-coding transcript variant (1).
Genome position (GRCh38, 1-based): chr10:68,419,139, C>G on the plus strand (G>C on the coding strand, the complement: DNA2 is on the minus strand). VCF-style: chr10-68419139-C-G. GRCh37 (hg19) VCF-style: chr10-70178896-C-G.
Other names: short protein forms L954F.
Identifiers: ClinVar variation 2910242 (VCV002910242.3), dbSNP rs1186034135, ClinGen allele CA376841512.